The following is an entry in ClinVar:

ClinVar aggregate classification (germline): Uncertain significance (1 of 4 stars; one submission).

Conditions:
Hereditary cancer-predisposing syndrome. Also called: Hereditary Cancer Syndrome; Tumor predisposition; Hereditary neoplastic syndrome; Neoplastic Syndromes, Hereditary. Identifiers: Orphanet 140162, MedGen C0027672, MeSH D009386, MONDO:0015356.

Submission:

Ambry Genetics
Classification: Uncertain significance for Hereditary cancer-predisposing syndrome. Last evaluated: 2024-04-29. Review status: criteria provided, single submitter. Criteria: Ambry Variant Classification Scheme 2023. Collection method: clinical testing. Allele origin: germline.
Comment: The p.F386L variant (also known as c.1158T>A), located in coding exon 14 of the CDC73 gene, results from a T to A substitution at nucleotide position 1158. The phenylalanine at codon 386 is replaced by leucine, an amino acid with highly similar properties. This amino acid position is conserved. In addition, this alteration is predicted to be deleterious by in silico analysis. Based on the available evidence, the clinical significance of this variant remains unclear.

NM_024529.5(CDC73):c.1158T>A (p.Phe386Leu)

Gene: CDC73 (cell division cycle 73; plus strand). Cytogenetic location: 1q31.2.
Variant type: single nucleotide variant.
Coding change: c.1158T>A on transcript NM_024529.5 (MANE Select); coding-DNA position 1158, T replaced by A.
Protein change: p.Phe386Leu; replaces phenylalanine 386 with leucine.
Molecular consequence: missense variant.
Genome position (GRCh38, 1-based): chr1:193,232,996, T>A. VCF-style: chr1-193232996-T-A. GRCh37 (hg19) VCF-style: chr1-193202126-T-A.
Other names: short protein forms F386L.
Identifiers: ClinVar variation 3265057 (VCV003265057.1).